The following is an entry in ClinVar:

NM_024306.5(FA2H):c.486G>C (p.Glu162Asp)

Gene: FA2H (fatty acid 2-hydroxylase; minus strand). Cytogenetic location: 16q23.1.
Variant type: single nucleotide variant.
Coding change: c.486G>C on transcript NM_024306.5 (MANE Select); coding-DNA position 486, G replaced by C.
Protein change: p.Glu162Asp; replaces glutamic acid 162 with aspartic acid.
Molecular consequence: missense variant.
Genome position (GRCh38, 1-based): chr16:74,727,264, C>G on the plus strand (G>C on the coding strand, the complement: FA2H is on the minus strand). VCF-style: chr16-74727264-C-G. GRCh37 (hg19) VCF-style: chr16-74761162-C-G.
Other names: short protein forms E162D.
Identifiers: ClinVar variation 3902627 (VCV003902627.1).

ClinVar aggregate classification (germline): Uncertain significance (1 of 4 stars; one submission).

gnomAD v4.1: 19 of 1,614,028 alleles (0.0012%); highest among the groups gnomAD compares: Non-Finnish European, 0.0015%; no homozygotes.

Submission:

Women's Health and Genetics/Laboratory Corporation of America, LabCorp
Classification: Uncertain significance. Last evaluated: 2025-05-28. Review status: criteria provided, single submitter. Criteria: LabCorp Variant Classification Summary - May 2015. Collection method: clinical testing. Allele origin: germline.
Comment: Variant summary: FA2H c.486G>C (p.Glu162Asp) results in a conservative amino acid change in the encoded protein sequence. Algorithms developed to predict the effect of missense changes on protein structure and function are either unavailable or do not agree on the potential impact of this missense change. The variant allele was found at a frequency of 8e-06 in 251344 control chromosomes. The available data on variant occurrences in the general population are insufficient to allow any conclusion about variant significance. c.486G>C has been observed in at least one compound heterozygous individual affected with spastic paraplegia (e.g. Kara_2016). These report(s) do not provide unequivocal conclusions about association of the variant with Neurodegeneration With Brain Iron Accumulation. To our knowledge, no experimental evidence demonstrating an impact on protein function has been reported. The following publication has been ascertained in the context of this evaluation (PMID: 27217339). No submitters have cited clinical-significance assessments for this variant to ClinVar. Based on the evidence outlined above, the variant was classified as uncertain significance.

Literature cited by the submitters: PubMed 27217339.